The following is an entry in ClinVar:

ClinVar aggregate classification (germline): Likely pathogenic (1 of 4 stars; one submission).

Conditions:
Nemaline myopathy 2 (NEM2). Also called: Nemaline myopathy 2, autosomal recessive. Identifiers: MedGen C1850569, MONDO:0009725, OMIM 256030.

Submission:

Myriad Genetics, Inc.
Classification: Likely pathogenic for Nemaline myopathy 2. Last evaluated: 2021-12-10. Review status: criteria provided, single submitter. Criteria: Myriad Women's Health Autosomal Recessive and X-Linked Classification Criteria (2021). Collection method: clinical testing. Allele origin: unknown.
Comment: NM_001271208.1(NEB):c.11891delA(N3964Ifs*19) is expected to be pathogenic in the context of NEB-related nemaline myopathy. This variant is predicted to lead to an abnormal or absent protein product due to the creation of a premature termination codon in NEB, a gene where loss-of-function variants are known to be pathogenic. Please note: this variant was assessed in the context of healthy population screening.

NM_001164508.2(NEB):c.11891del (p.Asn3964fs)

Gene: NEB (nebulin; minus strand). Cytogenetic location: 2q23.3.
Variant type: Deletion.
Coding change: c.11891del on transcript NM_001164508.2 (MANE Select); coding-DNA position 11891, one base deleted (A; older notation c.11891delA).
Protein change: p.Asn3964fs; shifts the reading frame from asparagine 3964.
Molecular consequence: frameshift variant.
Genome position (GRCh38, 1-based): chr2:151,610,781, T deleted on the plus strand (A on the coding strand, the reverse complement: NEB is on the minus strand); the first of 2 consecutive T bases (chr2:151,610,781-151,610,782); deleting either gives the same sequence. VCF-style (leftmost placement, unchanged base first): chr2-151610780-AT-A. GRCh37 (hg19) VCF-style: chr2-152467294-AT-A.
Other names: c.11891del, p.Asn3964fs (NM_001164507.2, NM_001271208.2); c.11162del, p.Asn3721fs (NM_004543.5); short protein forms N3721fs, N3964fs.
Identifiers: ClinVar variation 1726272 (VCV001726272.2), dbSNP rs2552228082, ClinGen allele CA2580064163.